The following is an entry in ClinVar:

NM_000038.6(APC):c.6934C>A (p.Pro2312Thr)

Gene: APC (APC regulator of Wnt signaling pathway; plus strand). Cytogenetic location: 5q22.2.
Variant type: single nucleotide variant.
Coding change: c.6934C>A on transcript NM_000038.6 (MANE Select); coding-DNA position 6934, C replaced by A.
Protein change: p.Pro2312Thr; replaces proline 2312 with threonine.
Molecular consequence: missense variant.
Genome position (GRCh38, 1-based): chr5:112,842,528, C>A. VCF-style: chr5-112842528-C-A. GRCh37 (hg19) VCF-style: chr5-112178225-C-A.
Other names: c.6934C>A, p.Pro2312Thr (NM_001127510.3, NM_001354895.2); c.6880C>A, p.Pro2294Thr (NM_001127511.3); c.6988C>A, p.Pro2330Thr (NM_001354896.2); c.6964C>A, p.Pro2322Thr (NM_001354897.2); c.6859C>A, p.Pro2287Thr (NM_001354898.2); c.6850C>A, p.Pro2284Thr (NM_001354899.2); c.6811C>A, p.Pro2271Thr (NM_001354900.2); c.6757C>A, p.Pro2253Thr (NM_001354901.2); and 5 more; short protein forms P2312T, P2294T, P2221T, P2284T, P2330T, P2152T, P2186T, P2211T.
Identifiers: ClinVar variation 575227 (VCV000575227.58), dbSNP rs1266863116, ClinGen allele CA16036453.
Genomic context (GRCh38, chr5:112,842,528, plus strand): 5'-ATAGGTGGGTCAAGTAAAGCACCTTCTAGATCAGGATCTAGAGATTCGACCCCTTCAAGA[C>A]CTGCCCAGCAACCATTAAGTAGACCTATACAGTCTCCTGGCCGAAACTCAATTTCCCCTG-3'
Protein context (NP_000029.2, residues 2302-2322): SGSRDSTPSR[Pro2312Thr]AQQPLSRPIQ

ClinVar aggregate classification (germline): Uncertain significance. Review status: criteria provided, multiple submitters, no conflicts (2 of 4 stars). 3 submissions from 3 submitters: Uncertain significance (3). Last evaluated 2024-11-04.

Conditions:
Familial adenomatous polyposis 1 (FAP1). Also called: POLYPOSIS, ADENOMATOUS INTESTINAL; FAMILIAL ADENOMATOUS POLYPOSIS 1, ATTENUATED. Identifiers: MedGen C2713442, MONDO:0021056, OMIM 175100. Disease mechanism: loss of function.
Hereditary cancer-predisposing syndrome. Also called: Neoplastic Syndromes, Hereditary; Hereditary Cancer Syndrome; Tumor predisposition; Hereditary neoplastic syndrome. Identifiers: Orphanet 140162, MedGen C0027672, MeSH D009386, MONDO:0015356.

Allele frequency attached by ClinVar (database versions not stated): gnomAD exomes below 0.00001; gnomAD 0.00001.
gnomAD v4.1: 7 of 1,613,948 alleles (0.00043%); highest among the groups gnomAD compares: South Asian, 0.0022%; no homozygotes.

Submissions (3):

Labcorp Genetics (formerly Invitae), Labcorp
Classification: Uncertain significance for Familial adenomatous polyposis 1. Last evaluated: 2024-11-04. Review status: criteria provided, single submitter. Criteria: Invitae Variant Classification Sherloc (09022015). Collection method: clinical testing. Allele origin: germline.
Comment: This sequence change replaces proline, which is neutral and non-polar, with threonine, which is neutral and polar, at codon 2312 of the APC protein (p.Pro2312Thr). This variant is not present in population databases (gnomAD no frequency). This variant has not been reported in the literature in individuals affected with APC-related conditions. ClinVar contains an entry for this variant (Variation ID: 575227). Invitae Evidence Modeling of protein sequence and biophysical properties (such as structural, functional, and spatial information, amino acid conservation, physicochemical variation, residue mobility, and thermodynamic stability) indicates that this missense variant is not expected to disrupt APC protein function with a negative predictive value of 95%. In summary, the available evidence is currently insufficient to determine the role of this variant in disease. Therefore, it has been classified as a Variant of Uncertain Significance.

Ambry Genetics
Classification: Uncertain significance for Hereditary cancer-predisposing syndrome. Last evaluated: 2024-09-25. Review status: criteria provided, single submitter. Criteria: Ambry Variant Classification Scheme 2023. Collection method: clinical testing. Allele origin: germline.
Comment: The p.P2312T variant (also known as c.6934C>A), located in coding exon 15 of the APC gene, results from a C to A substitution at nucleotide position 6934. The proline at codon 2312 is replaced by threonine, an amino acid with highly similar properties. This amino acid position is highly conserved in available vertebrate species. In addition, in silico predictors for this gene do not accurately predict pathogenicity. Missense alterations in APC are not a common cause of disease (Spier I et al. Genet Med. 2024 Feb;26(2):100992). Based on the available evidence, the clinical significance of this variant remains unclear.

Color Diagnostics, LLC DBA Color Health
Classification: Uncertain significance for Hereditary cancer-predisposing syndrome. Last evaluated: 2023-12-05. Review status: criteria provided, single submitter. Criteria: ACMG Guidelines, 2015. Collection method: clinical testing. Allele origin: germline.
Comment: This missense variant replaces proline with threonine at codon 2312 of the APC protein. Computational prediction is inconclusive regarding the impact of this variant on protein structure and function (internally defined REVEL score threshold 0.5 < inconclusive < 0.7, PMID: 27666373). To our knowledge, functional studies have not been reported for this variant. This variant has not been reported in individuals affected with APC-related disorders in the literature. This variant has not been identified in the general population by the Genome Aggregation Database (gnomAD). The available evidence is insufficient to determine the role of this variant in disease conclusively. Therefore, this variant is classified as a Variant of Uncertain Significance.